The following is an entry in ClinVar:

NM_173076.3(ABCA12):c.4163+1G>T

Gene: ABCA12 (ATP binding cassette subfamily A member 12; minus strand). Cytogenetic location: 2q35.
Variant type: single nucleotide variant.
Coding change: c.4163+1G>T on transcript NM_173076.3 (MANE Select); the canonical splice donor site of the intron after coding-DNA position 4163, G replaced by T.
Molecular consequence: splice donor variant.
Genome position (GRCh38, 1-based): chr2:214,986,541, C>A on the plus strand (G>T on the coding strand, the complement: ABCA12 is on the minus strand). VCF-style: chr2-214986541-C-A. GRCh37 (hg19) VCF-style: chr2-215851265-C-A.
Other names: c.3209+1G>T (NM_015657.4).
Identifiers: ClinVar variation 2768323 (VCV002768323.3), dbSNP rs2469245248, ClinGen allele CA350463719.
Genomic context (GRCh38, chr2:214,986,541, plus strand): 5'-TTTACACCTGTATTTTTTGTAACATGCTTCCATGGCAATAAATGTCAAAAAGTTAACATA[C>A]ATGGTAGTAGTTTTCCCAGCTCCATTGGGCCCCAGCAATGAAGTAATATGCCCTTCATAA-3'

ClinVar aggregate classification (germline): Likely pathogenic (1 of 4 stars; one submission).

Submission:

Labcorp Genetics (formerly Invitae), Labcorp
Classification: Likely pathogenic. Last evaluated: 2023-10-14. Review status: criteria provided, single submitter. Criteria: Invitae Variant Classification Sherloc (09022015). Collection method: clinical testing. Allele origin: germline.
Comment: This sequence change affects a donor splice site in intron 28 of the ABCA12 gene. It is expected to disrupt RNA splicing. Variants that disrupt the donor or acceptor splice site typically lead to a loss of protein function (PMID: 16199547), and loss-of-function variants in ABCA12 are known to be pathogenic (PMID: 20672373). This variant is not present in population databases (gnomAD no frequency). This variant has not been reported in the literature in individuals affected with ABCA12-related conditions. Algorithms developed to predict the effect of sequence changes on RNA splicing suggest that this variant may disrupt the consensus splice site. In summary, the currently available evidence indicates that the variant is pathogenic, but additional data are needed to prove that conclusively. Therefore, this variant has been classified as Likely Pathogenic.

Literature cited by the submitters: PubMed 16199547; PubMed 20672373.